The following is an entry in ClinVar:

NM_003396.3(WNT9B):c.454G>A (p.Glu152Lys)

Genes: LRRC37A2 (leucine rich repeat containing 37 member A2), WNT9B (Wnt family member 9B; plus strand). Cytogenetic location: 17q21.32.
Variant type: single nucleotide variant.
Coding change: c.454G>A on transcript NM_003396.3 (MANE Select); coding-DNA position 454, G replaced by A.
Protein change: p.Glu152Lys; replaces glutamic acid 152 with lysine.
Molecular consequence: missense variant.
Genome position (GRCh38, 1-based): chr17:46,875,220, G>A. VCF-style: chr17-46875220-G-A. GRCh37 (hg19) VCF-style: chr17-44952586-G-A.
Other names: c.454G>A, p.Glu152Lys (NM_001320458.2); short protein forms E152K.
Identifiers: ClinVar variation 2074651 (VCV002074651.4), dbSNP rs149949310, ClinGen allele CA8620905.

ClinVar aggregate classification (germline): Uncertain significance (1 of 4 stars; one submission).

Allele frequency attached by ClinVar (database versions not stated): gnomAD 0.00043; TOPMed 0.00044; ESP Exome Variant Server 0.00054; gnomAD exomes 0.00068; ExAC 0.00079.
gnomAD v4.1: 1,042 of 1,614,082 alleles (0.065%); highest among the groups gnomAD compares: Non-Finnish European, 0.083%; 1 homozygote.

Submission:

Labcorp Genetics (formerly Invitae), Labcorp
Classification: Uncertain significance. Last evaluated: 2025-04-27. Review status: criteria provided, single submitter. Criteria: Invitae Variant Classification Sherloc (09022015). Collection method: clinical testing. Allele origin: germline.
Comment: This sequence change replaces glutamic acid, which is acidic and polar, with lysine, which is basic and polar, at codon 152 of the WNT9B protein (p.Glu152Lys). This variant is present in population databases (rs149949310, gnomAD 0.1%), and has an allele count higher than expected for a pathogenic variant. This variant has not been reported in the literature in individuals affected with WNT9B-related conditions. ClinVar contains an entry for this variant (Variation ID: 2074651). An algorithm developed to predict the effect of missense changes on protein structure and function (PolyPhen-2) suggests that this variant is likely to be disruptive. In summary, the available evidence is currently insufficient to determine the role of this variant in disease. Therefore, it has been classified as a Variant of Uncertain Significance.